The following is an entry in ClinVar:

NM_000155.4(GALT):c.820+4A>C

Gene: GALT (galactose-1-phosphate uridylyltransferase; plus strand). Cytogenetic location: 9p13.3.
Variant type: single nucleotide variant.
Coding change: c.820+4A>C on transcript NM_000155.4 (MANE Select); 4 bases into the intron after coding-DNA position 820, A replaced by C.
Molecular consequence: intron variant.
Genome position (GRCh38, 1-based): chr9:34,648,898, A>C. VCF-style: chr9-34648898-A-C. GRCh37 (hg19) VCF-style: chr9-34648895-A-C.
Other names: c.493+4A>C (NM_001258332.2).
Identifiers: ClinVar variation 92523 (VCV000092523.12), dbSNP rs398123186, ClinGen allele CA220425.

ClinVar aggregate classification (germline): Uncertain significance. Review status: criteria provided, multiple submitters, no conflicts (2 of 4 stars). 3 submissions from 3 submitters: Uncertain significance (2). 1 of the submissions does not count toward it. Last evaluated 2021-08-31.

Conditions:
Galactosemia. Also called: Galactose intolerance. Identifiers: Orphanet 352, MedGen C0016952, MONDO:0018116, HP:0004919. Disease mechanism: loss of function.
Deficiency of UDPglucose-hexose-1-phosphate uridylyltransferase. Also called: Galactosemia, classic; GALACTOSEMIA I; GALT deficiency; GALACTOSE-1-PHOSPHATE URIDYLYLTRANSFERASE DEFICIENCY; Transferase Deficiency Galactosemia. Identifiers: Orphanet 352, Orphanet 79239, MedGen C0268151, MONDO:0009258, OMIM 230400.

Allele frequency attached by ClinVar (database versions not stated): gnomAD 0.00001; ExAC 0.00001; gnomAD exomes below 0.00001; TOPMed 0.00001.
gnomAD v4.1: 6 of 1,613,378 alleles (0.00037%); highest among the groups gnomAD compares: African/African-American, 0.004%; no homozygotes.

Submissions (3):

Labcorp Genetics (formerly Invitae), Labcorp
Classification: Uncertain significance for Deficiency of UDPglucose-hexose-1-phosphate uridylyltransferase. Last evaluated: 2021-08-31. Review status: criteria provided, single submitter. Criteria: Invitae Variant Classification Sherloc (09022015). Collection method: clinical testing. Allele origin: germline.
Comment: This sequence change falls in intron 8 of the GALT gene. It does not directly change the encoded amino acid sequence of the GALT protein. It affects a nucleotide within the consensus splice site of the intron. This variant is present in population databases (rs398123186, ExAC 0.01%). This variant has been observed in individual(s) with clinical features of GALT-related conditions (Invitae). ClinVar contains an entry for this variant (Variation ID: 92523). Variants that disrupt the consensus splice site are a relatively common cause of aberrant splicing (PMID: 17576681, 9536098). Algorithms developed to predict the effect of sequence changes on RNA splicing suggest that this variant may disrupt the consensus splice site. In summary, the available evidence is currently insufficient to determine the role of this variant in disease. Therefore, it has been classified as a Variant of Uncertain Significance.

Eurofins Ntd Llc (ga)
Classification: Uncertain significance. Last evaluated: 2015-09-29. Review status: criteria provided, single submitter. Criteria: EGL Classification Definitions 2015. Collection method: clinical testing. Allele origin: germline. Observed: 1 variant allele, 1 heterozygote.

Natera, Inc.
Classification: Uncertain significance for Galactosemia. Last evaluated: 2020-09-16. Review status: no assertion criteria provided. Collection method: clinical testing. Allele origin: germline. Not counted in ClinVar's aggregate classification.

Literature cited by the submitters: PubMed 17576681 (cited by Labcorp Genetics (formerly Invitae), Labcorp); PubMed 9536098 (cited by Labcorp Genetics (formerly Invitae), Labcorp).